The following is an entry in ClinVar:

NM_001174147.2(LMX1B):c.476A>G (p.Lys159Arg)

Gene: LMX1B (LIM homeobox transcription factor 1 beta; plus strand). Cytogenetic location: 9q33.3.
Variant type: single nucleotide variant.
Coding change: c.476A>G on transcript NM_001174147.2 (MANE Select); coding-DNA position 476, A replaced by G.
Protein change: p.Lys159Arg; replaces lysine 159 with arginine.
Molecular consequence: missense variant.
Genome position (GRCh38, 1-based): chr9:126,690,985, A>G. VCF-style: chr9-126690985-A-G. GRCh37 (hg19) VCF-style: chr9-129453264-A-G.
Other names: c.476A>G, p.Lys159Arg (NM_001174146.2, NM_002316.4); short protein forms K159R.
Identifiers: ClinVar variation 4741474 (VCV004741474.1).

ClinVar aggregate classification (germline): Uncertain significance (1 of 4 stars; one submission).

gnomAD v4.1: 3 of 1,614,092 alleles (0.00019%); highest among the groups gnomAD compares: South Asian, 0.0011%; no homozygotes.

Submission:

Labcorp Genetics (formerly Invitae), Labcorp
Classification: Uncertain significance. Last evaluated: 2025-03-18. Review status: criteria provided, single submitter. Criteria: Invitae Variant Classification Sherloc (09022015). Collection method: clinical testing. Allele origin: germline.
Comment: This sequence change replaces lysine, which is basic and polar, with arginine, which is basic and polar, at codon 159 of the LMX1B protein (p.Lys159Arg). This variant is not present in population databases (gnomAD no frequency). This variant has not been reported in the literature in individuals affected with LMX1B-related conditions. Invitae Evidence Modeling of protein sequence and biophysical properties (such as structural, functional, and spatial information, amino acid conservation, physicochemical variation, residue mobility, and thermodynamic stability) indicates that this missense variant is not expected to disrupt LMX1B protein function with a negative predictive value of 80%. In summary, the available evidence is currently insufficient to determine the role of this variant in disease. Therefore, it has been classified as a Variant of Uncertain Significance.